The following is an entry in ClinVar:

ClinVar aggregate classification (germline): Uncertain significance (1 of 4 stars; one submission).

Conditions:
Fanconi anemia (FA). Also called: Fanconi's anemia. Identifiers: Orphanet 84, MedGen C0015625, MeSH D005199, MONDO:0019391.

Allele frequency attached by ClinVar (database versions not stated): ExAC 0.00002; gnomAD exomes 0.00001.
gnomAD v4.1: 10 of 1,614,052 alleles (0.00062%); highest among the groups gnomAD compares: Non-Finnish European, 0.00085%; no homozygotes.

Submission:

Labcorp Genetics (formerly Invitae), Labcorp
Classification: Uncertain significance for Fanconi anemia. Last evaluated: 2021-12-09. Review status: criteria provided, single submitter. Criteria: Invitae Variant Classification Sherloc (09022015). Collection method: clinical testing. Allele origin: germline.
Comment: This sequence change replaces aspartic acid, which is acidic and polar, with asparagine, which is neutral and polar, at codon 1350 of the FANCD2 protein (p.Asp1350Asn). This variant is present in population databases (rs772169028, gnomAD 0.002%). This variant has not been reported in the literature in individuals affected with FANCD2-related conditions. Algorithms developed to predict the effect of missense changes on protein structure and function are either unavailable or do not agree on the potential impact of this missense change (SIFT: "Tolerated"; PolyPhen-2: "Probably Damaging"; Align-GVGD: "Class C0"). In summary, the available evidence is currently insufficient to determine the role of this variant in disease. Therefore, it has been classified as a Variant of Uncertain Significance.

NM_001018115.3(FANCD2):c.4048G>A (p.Asp1350Asn)

Genes: FANCD2 (FA complementation group D2; plus strand), FANCD2OS (FANCD2 opposite strand; minus strand). Cytogenetic location: 3p25.3.
Variant type: single nucleotide variant.
Coding change: c.4048G>A on transcript NM_001018115.3 (MANE Select); coding-DNA position 4048, G replaced by A.
Protein change: p.Asp1350Asn; replaces aspartic acid 1350 with asparagine.
Molecular consequence: missense variant. On other transcripts: intron variant (1).
Genome position (GRCh38, 1-based): chr3:10,096,335, G>A. VCF-style: chr3-10096335-G-A. GRCh37 (hg19) VCF-style: chr3-10138019-G-A.
Other names: c.4048G>A, p.Asp1350Asn (NM_001319984.2, NM_033084.6); c.3937G>A, p.Asp1313Asn (NM_001374253.1); c.4009G>A, p.Asp1337Asn (NM_001374254.1); c.*43+7863C>T (NM_173472.2); short protein forms D1337N, D1350N, D1313N.
Identifiers: ClinVar variation 1394149 (VCV001394149.42), dbSNP rs772169028, ClinGen allele CA2250620.